The following is an entry in ClinVar:

NM_001365951.3(KIF1B):c.2080G>A (p.Glu694Lys)

Gene: KIF1B (kinesin family member 1B; plus strand). Cytogenetic location: 1p36.22.
Variant type: single nucleotide variant.
Coding change: c.2080G>A on transcript NM_001365951.3 (MANE Select); coding-DNA position 2080, G replaced by A.
Protein change: p.Glu694Lys; replaces glutamic acid 694 with lysine.
Molecular consequence: missense variant.
Genome position (GRCh38, 1-based): chr1:10,297,211, G>A. VCF-style: chr1-10297211-G-A. GRCh37 (hg19) VCF-style: chr1-10357269-G-A.
Other names: c.2080G>A, p.Glu694Lys (NM_001365952.1); c.1942G>A, p.Glu648Lys (NM_001365953.1, NM_015074.3, NM_183416.4); short protein forms E648K, E694K.
Identifiers: ClinVar variation 4858829 (VCV004858829.1).

ClinVar aggregate classification (germline): Uncertain significance (1 of 4 stars; one submission).

Submission:

Ambry Genetics
Classification: Uncertain significance. Last evaluated: 2026-04-04. Review status: criteria provided, single submitter. Criteria: Ambry Variant Classification Scheme 2023. Collection method: clinical testing. Allele origin: germline.
Comment: The p.E648K variant (also known as c.1942G>A), located in coding exon 19 of the KIF1B gene, results from a G to A substitution at nucleotide position 1942. The glutamic acid at codon 648 is replaced by lysine, an amino acid with similar properties. This amino acid position is conserved. In addition, this alteration is predicted to be deleterious by in silico analysis. Based on the available evidence, the clinical significance of this variant remains unclear.